The following is an entry in ClinVar:

ClinVar aggregate classification (germline): Uncertain significance (1 of 4 stars; one submission).

gnomAD v4.1: 1 of 1,614,204 alleles (0.000062%); no homozygotes.

Submission:

Labcorp Genetics (formerly Invitae), Labcorp
Classification: Uncertain significance. Last evaluated: 2025-06-08. Review status: criteria provided, single submitter. Criteria: Invitae Variant Classification Sherloc (09022015). Collection method: clinical testing. Allele origin: germline.
Comment: This sequence change replaces alanine, which is neutral and non-polar, with glycine, which is neutral and non-polar, at codon 557 of the CAD protein (p.Ala557Gly). This variant is not present in population databases (gnomAD no frequency). This variant has not been reported in the literature in individuals affected with CAD-related conditions. Invitae Evidence Modeling of protein sequence and biophysical properties (such as structural, functional, and spatial information, amino acid conservation, physicochemical variation, residue mobility, and thermodynamic stability) indicates that this missense variant is not expected to disrupt CAD protein function with a negative predictive value of 80%. In summary, the available evidence is currently insufficient to determine the role of this variant in disease. Therefore, it has been classified as a Variant of Uncertain Significance.

NM_004341.5(CAD):c.1670C>G (p.Ala557Gly)

Gene: CAD (carbamoyl-phosphate synthetase 2, aspartate transcarbamylase, and dihydroorotase; plus strand). Cytogenetic location: 2p23.3.
Variant type: single nucleotide variant.
Coding change: c.1670C>G on transcript NM_004341.5 (MANE Select); coding-DNA position 1670, C replaced by G.
Protein change: p.Ala557Gly; replaces alanine 557 with glycine.
Molecular consequence: missense variant.
Genome position (GRCh38, 1-based): chr2:27,225,754, C>G. VCF-style: chr2-27225754-C-G. GRCh37 (hg19) VCF-style: chr2-27448622-C-G.
Other names: c.1670C>G, p.Ala557Gly (NM_001306079.2); short protein forms A557G.
Identifiers: ClinVar variation 4709926 (VCV004709926.1).